The following is an entry in ClinVar:

ClinVar aggregate classification (germline): Uncertain significance (1 of 4 stars; one submission).

Submissions (2):

GeneDx
Classification: Uncertain significance. Last evaluated: 2025-11-16. Review status: criteria provided, single submitter. Criteria: GeneDx Variant Classification Process June 2021. Collection method: clinical testing. Allele origin: germline. Affected: yes.
Comment: Not observed at significant frequency in large population cohorts (gnomAD); In silico analysis suggests that this missense variant does not alter protein structure/function; Has not been previously published as pathogenic or benign germline variant to our knowledge; This variant is associated with the following publications: (PMID: 31275557)

Dr. Peter K. Rogan Lab, Western University
No classification provided (evidence only). Condition: Thyroid cancer, nonmedullary, 1. Review status: no classification provided. Collection method: in vitro. Allele origin: not applicable. Functional consequence: retained intron. Not counted in ClinVar's aggregate classification.

NM_005334.3(HCFC1):c.3104C>G (p.Ala1035Gly)

Gene: HCFC1 (host cell factor C1; minus strand). Cytogenetic location: Xq28.
Variant type: single nucleotide variant.
Coding change: c.3104C>G on transcript NM_005334.3 (MANE Select); coding-DNA position 3104, C replaced by G.
Protein change: p.Ala1035Gly; replaces alanine 1035 with glycine.
Molecular consequence: missense variant.
Genome position (GRCh38, 1-based): chrX:153,955,295, G>C on the plus strand (C>G on the coding strand, the complement: HCFC1 is on the minus strand). VCF-style: chrX-153955295-G-C. GRCh37 (hg19) VCF-style: chrX-153220746-G-C.
Other names: NC_000023.10:g.153220746G>C; short protein forms A1035G.
Identifiers: ClinVar variation 1327239 (VCV001327239.4), dbSNP rs2148574909, ClinGen allele CA415126161.